The following is an entry in ClinVar:

ClinVar aggregate classification (germline): Uncertain significance (1 of 4 stars; one submission).

gnomAD v4.1: 17 of 1,613,622 alleles (0.0011%); highest among the groups gnomAD compares: Non-Finnish European, 0.0014%; no homozygotes.

Submission:

Labcorp Genetics (formerly Invitae), Labcorp
Classification: Uncertain significance. Last evaluated: 2024-02-24. Review status: criteria provided, single submitter. Criteria: Invitae Variant Classification Sherloc (09022015). Collection method: clinical testing. Allele origin: germline.
Comment: This sequence change replaces asparagine, which is neutral and polar, with lysine, which is basic and polar, at codon 154 of the PDE6C protein (p.Asn154Lys). This variant is present in population databases (rs149739681, gnomAD 0.003%). This variant has not been reported in the literature in individuals affected with PDE6C-related conditions. ClinVar contains an entry for this variant (Variation ID: 1483729). Advanced modeling of protein sequence and biophysical properties (such as structural, functional, and spatial information, amino acid conservation, physicochemical variation, residue mobility, and thermodynamic stability) has been performed at Invitae for this missense variant, however the output from this modeling did not meet the statistical confidence thresholds required to predict the impact of this variant on PDE6C protein function. In summary, the available evidence is currently insufficient to determine the role of this variant in disease. Therefore, it has been classified as a Variant of Uncertain Significance.

NM_006204.4(PDE6C):c.462T>G (p.Asn154Lys)

Gene: PDE6C (phosphodiesterase 6C; plus strand). Cytogenetic location: 10q23.33.
Variant type: single nucleotide variant.
Coding change: c.462T>G on transcript NM_006204.4 (MANE Select); coding-DNA position 462, T replaced by G.
Protein change: p.Asn154Lys; replaces asparagine 154 with lysine.
Molecular consequence: missense variant.
Genome position (GRCh38, 1-based): chr10:93,613,187, T>G. VCF-style: chr10-93613187-T-G. GRCh37 (hg19) VCF-style: chr10-95372944-T-G.
Other names: short protein forms N154K.
Identifiers: ClinVar variation 1483729 (VCV001483729.7), dbSNP rs149739681, ClinGen allele CA5609843.
Genomic context (GRCh38, chr10:93,613,187, plus strand): 5'-TGTGTTTCCATTGGACATTGGGATAGTGGGTTGGGCTGCTCACACGAAGAAAACTCATAA[T>G]GTCCCAGATGTGAAAAAGGTAGGTGGCCTTATGACAGTGGGGCAGAGGTCTTGGCAGGGT-3'
Protein context (NP_006195.3, residues 144-164): GWAAHTKKTH[Asn154Lys]VPDVKKNSHF